The following is an entry in ClinVar:

NC_000015.9:g.(?_89753516)_(89762206_?)dup

Gene: RLBP1 (retinaldehyde binding protein 1; minus strand). Cytogenetic location: 15q26.1.
Variant type: Duplication.
Identifiers: ClinVar variation 1022390 (VCV001022390.2).

ClinVar aggregate classification (germline): Uncertain significance (1 of 4 stars; one submission).

Submission:

Labcorp Genetics (formerly Invitae), Labcorp
Classification: Uncertain significance. Last evaluated: 2020-09-16. Review status: criteria provided, single submitter. Criteria: Invitae Variant Classification Sherloc (09022015). Collection method: clinical testing. Allele origin: germline.
Comment: This variant results in a copy number gain of the genomic region encompassing the full coding sequence of the RLBP1 gene. The boundaries of this event are unknown as they extend beyond the assayed region for this gene and therefore may encompass additional genes. As the precise location of this event is unknown, it may be in tandem or it may be located elsewhere in the genome. This variant has not been reported in the literature in individuals with RLBP1-related conditions. In summary, the available evidence is currently insufficient to determine the role of this variant in disease. Therefore, it has been classified as a Variant of Uncertain Significance.